The following is an entry in ClinVar:

ClinVar aggregate classification (germline): Uncertain significance (1 of 4 stars; one submission).

Conditions:
Catecholaminergic polymorphic ventricular tachycardia 1. Also called: VENTRICULAR TACHYCARDIA, CATECHOLAMINERGIC POLYMORPHIC, 1, WITH OR WITHOUT ATRIAL DYSFUNCTION AND/OR DILATED CARDIOMYOPATHY; RYR2-Related Catecholaminergic Polymorphic Ventricular Tachycardia; VENTRICULAR TACHYCARDIA, STRESS-INDUCED POLYMORPHIC 1. Identifiers: Orphanet 3286, MedGen C1631597, MONDO:0011484, OMIM 604772.

Submission:

Labcorp Genetics (formerly Invitae), Labcorp
Classification: Uncertain significance for Catecholaminergic polymorphic ventricular tachycardia 1. Last evaluated: 2017-12-04. Review status: criteria provided, single submitter. Criteria: Invitae Variant Classification Sherloc (09022015). Collection method: clinical testing. Allele origin: germline.
Comment: In summary, the available evidence is currently insufficient to determine the role of this variant in disease. Therefore, it has been classified as a Variant of Uncertain Significance. The current clinical and genetic evidence is not sufficient to establish whether loss-of-function variants in RYR2 cause disease. This variant has not been reported in the literature in individuals with RYR2-related disease. This variant is not present in population databases (ExAC no frequency). This sequence change creates a premature translational stop signal (p.Arg1404Valfs*12) in the RYR2 gene. It is expected to result in an absent or disrupted protein product.

NM_001035.3(RYR2):c.4208_4209insTGTAATCTGC (p.Arg1404fs)

Gene: RYR2 (ryanodine receptor 2; plus strand). Cytogenetic location: 1q43.
Variant type: Insertion.
Coding change: c.4208_4209insTGTAATCTGC on transcript NM_001035.3 (MANE Select); coding-DNA positions 4208 to 4209, TGTAATCTGC inserted.
Protein change: p.Arg1404fs; shifts the reading frame from arginine 1404.
Molecular consequence: frameshift variant.
Genome position: GRCh38 VCF-style: chr1-237591781-T-TTCTGCTGTAA. GRCh37 (hg19) VCF-style: chr1-237755081-T-TTCTGCTGTAA.
Other names: c.4208_4209insTGTAATCTGC, p.Arg1404fs (LRG_402t1); short protein forms R1404fs.
Identifiers: ClinVar variation 532373 (VCV000532373.8), dbSNP rs1553515441, ClinGen allele CA658795631.